The following is an entry in ClinVar:

ClinVar aggregate classification (germline): Benign. Review status: criteria provided, multiple submitters, no conflicts (2 of 4 stars). 5 submissions from 5 submitters: Benign (5). Last evaluated 2025-07-31.

Conditions:
Glycogen storage disease, type VII (GSD7). Also called: GSD VII; MUSCLE PHOSPHOFRUCTOKINASE DEFICIENCY; PFKM DEFICIENCY; TARUI DISEASE. Identifiers: Orphanet 371, MedGen C0017926, MONDO:0009295, OMIM 232800.

Allele frequency attached by ClinVar (database versions not stated): ESP Exome Variant Server 0.18748; TOPMed 0.23879; gnomAD 0.21767 and 0.22715; gnomAD exomes 0.28169; 1000 Genomes Project 30x 0.35072; 1000 Genomes Project 0.35623; ExAC 0.26633.
gnomAD v4.1: 319,170 of 1,593,076 alleles (20%); highest among the groups gnomAD compares: East Asian, 58%; 40,698 homozygotes.

Submissions (5):

ARUP Laboratories, Molecular Genetics and Genomics, ARUP Laboratories
Classification: Benign for Glycogen storage disease, type VII. Last evaluated: 2025-07-31. Review status: criteria provided, single submitter. Criteria: ARUP Molecular Germline Variant Investigation Process 2024. Collection method: clinical testing. Allele origin: germline.

Genome-Nilou Lab
Classification: Benign for Glycogen storage disease, type VII. Last evaluated: 2021-09-05. Review status: criteria provided, single submitter. Criteria: ACMG Guidelines, 2015. Collection method: clinical testing. Allele origin: germline. Affected: no.

Pars Genome Lab
Classification: Benign for Glycogen storage disease, type VII. Last evaluated: 2021-07-01. Review status: criteria provided, single submitter. Criteria: ACMG Guidelines, 2015. Collection method: clinical testing. Allele origin: germline. Affected: no.

GeneDx
Classification: Benign. Last evaluated: 2018-06-14. Review status: criteria provided, single submitter. Criteria: GeneDx Variant Classification (06012015). Collection method: clinical testing. Allele origin: germline. Affected: yes.
Comment: This variant is considered likely benign or benign based on one or more of the following criteria: it is a conservative change, it occurs at a poorly conserved position in the protein, it is predicted to be benign by multiple in silico algorithms, and/or has population frequency not consistent with disease.

Breakthrough Genomics
Classification: Benign. Review status: criteria provided, single submitter. Criteria: ACMG Guidelines, 2015. Collection method: not provided. Allele origin: germline. Inheritance: Autosomal recessive inheritance. Affected: yes.

NM_001166686.2(PFKM):c.5A>T (p.His2Leu)

Gene: PFKM (phosphofructokinase, muscle; plus strand). Cytogenetic location: 12q13.11.
Variant type: single nucleotide variant.
Coding change: c.5A>T on transcript NM_001166686.2; coding-DNA position 5, A replaced by T.
Protein change: p.His2Leu; replaces histidine 2 with leucine.
Molecular consequence: missense variant. On other transcripts: non-coding transcript variant (1), intron variant (4).
Genome position (GRCh38, 1-based): chr12:48,107,378, A>T. VCF-style: chr12-48107378-A-T. GRCh37 (hg19) VCF-style: chr12-48501161-A-T.
Other names: c.5A>T, p.His2Leu (NM_001354735.1, NM_001354736.1, NM_001354737.1 and 3 more transcripts); c.-81+1959A>T (NM_001354741.2); c.-9+1959A>T (NM_001354742.2); c.-85+1959A>T (NM_001354747.2); c.-9+1568A>T (NM_001354743.2); short protein forms H2L.
Identifiers: ClinVar variation 441153 (VCV000441153.24), dbSNP rs11609399, ClinGen allele CA6536747.